The following is an entry in ClinVar:

ClinVar aggregate classification (germline): Uncertain significance (1 of 4 stars; one submission).

Allele frequency attached by ClinVar (database versions not stated): gnomAD exomes below 0.00001.
gnomAD v4.1: 2 of 1,613,940 alleles (0.00012%); highest among the groups gnomAD compares: Non-Finnish European, 0.00017%; no homozygotes.

Submission:

Labcorp Genetics (formerly Invitae), Labcorp
Classification: Uncertain significance. Last evaluated: 2021-06-08. Review status: criteria provided, single submitter. Criteria: Invitae Variant Classification Sherloc (09022015). Collection method: clinical testing. Allele origin: germline.
Comment: This sequence change replaces proline with leucine at codon 1973 of the DMXL2 protein (p.Pro1973Leu). The proline residue is moderately conserved and there is a moderate physicochemical difference between proline and leucine. This variant is not present in population databases (ExAC no frequency). This variant has not been reported in the literature in individuals with DMXL2-related conditions. Algorithms developed to predict the effect of missense changes on protein structure and function (SIFT, PolyPhen-2, Align-GVGD) all suggest that this variant is likely to be tolerated, but these predictions have not been confirmed by published functional studies and their clinical significance is uncertain. In summary, the available evidence is currently insufficient to determine the role of this variant in disease. Therefore, it has been classified as a Variant of Uncertain Significance.

NM_001378457.1(DMXL2):c.5918C>T (p.Pro1973Leu)

Gene: DMXL2 (Dmx like 2; minus strand). Cytogenetic location: 15q21.2.
Variant type: single nucleotide variant.
Coding change: c.5918C>T on transcript NM_001378457.1 (MANE Select); coding-DNA position 5918, C replaced by T.
Protein change: p.Pro1973Leu; replaces proline 1973 with leucine.
Molecular consequence: missense variant. On other transcripts: non-coding transcript variant (2).
Genome position (GRCh38, 1-based): chr15:51,481,188, G>A on the plus strand (C>T on the coding strand, the complement: DMXL2 is on the minus strand). VCF-style: chr15-51481188-G-A. GRCh37 (hg19) VCF-style: chr15-51773385-G-A.
Other names: c.5918C>T, p.Pro1973Leu (NM_001174116.3, NM_001378458.1, NM_001378459.1 and 4 more transcripts); c.4010C>T, p.Pro1337Leu (NM_001174117.3); c.3899C>T, p.Pro1300Leu (NM_001378460.1); c.5678C>T, p.Pro1893Leu (NM_001378464.1); short protein forms P1893L, P1337L, P1300L, P1973L.
Identifiers: ClinVar variation 1468454 (VCV001468454.8), dbSNP rs2140368098, ClinGen allele CA392444781.
Genomic context (GRCh38, chr15:51,481,188, plus strand): 5'-GCATCGTCTTCCTCTTCATCTAAGGCACTGTCGTGATCTTCACCCCAATCAAGATTAAGA[G>A]GTTCCTCATCAACTTTTACTATTGGCTGACTCCAGTCATACTGTGATGAAGTTACATTTG-3'
Protein context (NP_001365386.1, residues 1963-1983): SQPIVKVDEE[Pro1973Leu]LNLDWGEDHD